The following is an entry in ClinVar:

ClinVar aggregate classification (germline): Pathogenic/Likely pathogenic. Review status: criteria provided, multiple submitters, no conflicts (2 of 4 stars). 6 submissions from 6 submitters: Pathogenic (3); Likely pathogenic (3). Last evaluated 2025-09-29.

Conditions:
Rare genetic deafness. Identifiers: Orphanet 96210, MedGen C5680250.
Usher syndrome type 1 (USH1). Also called: RETINITIS PIGMENTOSA AND CONGENITAL DEAFNESS. Identifiers: Orphanet 231169, Orphanet 886, MedGen C1568247, MONDO:0010168, OMIM 276900.
CDH23-related disorder. Also called: CDH23-related condition; CDH23-related disorders.
Pituitary adenoma 5, multiple types. Identifiers: MedGen C4539685, MONDO:0054601, OMIM 617540.

Allele frequency attached by ClinVar (database versions not stated): TOPMed 0.00002.

Submissions (6):

PreventionGenetics, part of Exact Sciences
Classification: Pathogenic for CDH23-related condition. Last evaluated: 2025-09-29. Review status: criteria provided, single submitter. Criteria: ACMG Guidelines, 2015. Collection method: clinical testing. Allele origin: germline.
Comment: The CDH23 c.8064+1G>T variant is predicted to disrupt the GT donor site and interfere with normal splicing. To our knowledge, this variant has not been reported in the literature or in a large population database (gnomAD), indicating this variant is rare. In ClinVar, this variant is interpreted as likely pathogenic or pathogenic by multiple submitters. Similar variants (c.8064+1G>A and c.8064+2T>C) in CDH23 have been reported to be pathogenic for CDH23-related conditions (Roux et al. 2006. PubMed ID: 16679490; Table S1, Usami et al. 2022. PubMed ID: 35020051).  Variants that disrupt the consensus splice donor site in CDH23 are expected to be pathogenic. This variant is interpreted as pathogenic.

Natera, Inc.
Classification: Likely pathogenic for Usher syndrome type 1. Last evaluated: 2024-10-28. Review status: criteria provided, single submitter. Criteria: Natera Variant Classification Schema (03/2026). Collection method: clinical testing. Allele origin: germline.
Comment: The c.8064+1G>T variant in CDH23 is a canonical splice donor site variant predicted to affect pre-mRNA splicing, which may result in an abnormal transcript and altered protein product. This variant is expected to result in nonsense mediated decay, truncation, or a dysfunctional protein product. This variant is rare in the general population with a frequency below the threshold expected for the associated phenotype(s). Given the available evidence, this variant is classified as Likely Pathogenic.

Baylor Genetics
Classification: Likely pathogenic for Pituitary adenoma 5, multiple types. Last evaluated: 2024-01-04. Review status: criteria provided, single submitter. Criteria: ACMG Guidelines, 2015. Collection method: clinical testing. Allele origin: unknown.

Labcorp Genetics (formerly Invitae), Labcorp
Classification: Pathogenic. Last evaluated: 2023-10-03. Review status: criteria provided, single submitter. Criteria: Invitae Variant Classification Sherloc (09022015). Collection method: clinical testing. Allele origin: germline.
Comment: This sequence change affects a donor splice site in intron 56 of the CDH23 gene. It is expected to disrupt RNA splicing. Variants that disrupt the donor or acceptor splice site typically lead to a loss of protein function (PMID: 16199547), and loss-of-function variants in CDH23 are known to be pathogenic (PMID: 11138009, 21940737). This variant is not present in population databases (gnomAD no frequency). Disruption of this splice site has been observed in individual(s) with Usher syndrome (PMID: 35020051). In at least one individual the data is consistent with being in trans (on the opposite chromosome) from a pathogenic variant. ClinVar contains an entry for this variant (Variation ID: 517297). Algorithms developed to predict the effect of sequence changes on RNA splicing suggest that this variant may disrupt the consensus splice site. For these reasons, this variant has been classified as Pathogenic.

GeneDx
Classification: Likely pathogenic. Last evaluated: 2023-09-10. Review status: criteria provided, single submitter. Criteria: GeneDx Variant Classification Process June 2021. Collection method: clinical testing. Allele origin: germline. Affected: yes.
Comment: Canonical splice site variant predicted to result in an in-frame loss of the adjacent exon in a gene for which loss of function is a known mechanism of disease; Not observed at significant frequency in large population cohorts (gnomAD); Has not been previously published as pathogenic or benign to our knowledge; This variant is associated with the following publications: (PMID: 11138009)

Laboratory for Molecular Medicine, Mass General Brigham Personalized Medicine
Classification: Pathogenic for Rare genetic deafness. Last evaluated: 2017-03-31. Review status: criteria provided, single submitter. Criteria: LMM Criteria. Collection method: clinical testing. Allele origin: germline. Observed: 1 variant allele.
Comment: The c.8064+1G>T variant in CDH23 has not been previously reported in individuals with hearing loss or Usher syndrome, or in large population studies. This varia nt occurs in the invariant region (+/- 1,2) of the splice consensus sequence and is predicted to cause altered splicing leading to an abnormal or absent protein . Loss of CDH23 function is an established mechanism of Usher syndrome. In summa ry, this variant meets criteria to be classified as pathogenic for Usher syndrom e in an autosomal recessive manner based on its predicted impact on the protein and extremely low frequency in the general population.

Literature cited by the submitters: PubMed 16199547 (cited by Labcorp Genetics (formerly Invitae), Labcorp); PubMed 11138009 (cited by Labcorp Genetics (formerly Invitae), Labcorp); PubMed 21940737 (cited by Labcorp Genetics (formerly Invitae), Labcorp); PubMed 35020051 (cited by Labcorp Genetics (formerly Invitae), Labcorp).

NM_022124.6(CDH23):c.8064+1G>T

Genes: CDH23 (cadherin related 23; plus strand), LOC111982869 (Sharpr-MPRA regulatory region 2121; plus strand). Cytogenetic location: 10q22.1.
Variant type: single nucleotide variant.
Coding change: c.8064+1G>T on transcript NM_022124.6 (MANE Select); the canonical splice donor site of the intron after coding-DNA position 8064, G replaced by T.
Molecular consequence: splice donor variant.
Genome position (GRCh38, 1-based): chr10:71,805,998, G>T. VCF-style: chr10-71805998-G-T. GRCh37 (hg19) VCF-style: chr10-73565755-G-T.
Other names: c.1344+1G>T (NM_001171933.1, NM_001171934.1).
Identifiers: ClinVar variation 517297 (VCV000517297.16), dbSNP rs1474524543, ClinGen allele CA377162268.